The following is an entry in ClinVar:

NM_016955.4(SEPSECS):c.1058_1061del (p.Lys353fs)

Gene: SEPSECS (Sep (O-phosphoserine) tRNA:Sec (selenocysteine) tRNA synthase; minus strand). Cytogenetic location: 4p15.2.
Variant type: Deletion.
Coding change: c.1058_1061del on transcript NM_016955.4 (MANE Select); coding-DNA positions 1058 to 1061, 4 bases deleted (AGAA; older notation c.1058_1061delAGAA).
Protein change: p.Lys353fs; shifts the reading frame from lysine 353.
Molecular consequence: frameshift variant.
Genome position (GRCh38, 1-based): chr4:25,127,323-25,127,326, TTCT deleted on the plus strand (AGAA on the coding strand, the reverse complement: SEPSECS is on the minus strand); deleting any 4 consecutive bases within chr4:25,127,323-25,127,328 gives the same sequence; the c. name uses the placement nearest the transcript's 3' end. VCF-style (leftmost placement, unchanged base first): chr4-25127322-CTTCT-C. GRCh37 (hg19) VCF-style: chr4-25128944-CTTCT-C.
Other names: c.1313_1316del, p.Lys438fs (NM_001410714.1); c.1056_1059delAAAG, p.Lys353Serfs (NM_153825.2); short protein forms K438fs, K353fs.
Identifiers: ClinVar variation 2720183 (VCV002720183.3), dbSNP rs2474632359, ClinGen allele CA2697557078.

ClinVar aggregate classification (germline): Pathogenic (1 of 4 stars; one submission).

Submission:

Labcorp Genetics (formerly Invitae), Labcorp
Classification: Pathogenic. Last evaluated: 2023-06-20. Review status: criteria provided, single submitter. Criteria: Invitae Variant Classification Sherloc (09022015). Collection method: clinical testing. Allele origin: germline.
Comment: This sequence change creates a premature translational stop signal (p.Lys353Serfs*20) in the SEPSECS gene. It is expected to result in an absent or disrupted protein product. Loss-of-function variants in SEPSECS are known to be pathogenic (PMID: 25558065, 25590979, 26115735). For these reasons, this variant has been classified as Pathogenic. This variant has not been reported in the literature in individuals affected with SEPSECS-related conditions. This variant is not present in population databases (gnomAD no frequency).

Literature cited by the submitters: PubMed 25558065; PubMed 25590979; PubMed 26115735.